The following is an entry in ClinVar:

NM_000255.4(MMUT):c.2125-3C>G

Gene: MMUT (methylmalonyl-CoA mutase; minus strand). Cytogenetic location: 6p12.3.
Variant type: single nucleotide variant.
Coding change: c.2125-3C>G on transcript NM_000255.4 (MANE Select); 3 bases into the intron before coding-DNA position 2125, C replaced by G.
Molecular consequence: intron variant.
Genome position (GRCh38, 1-based): chr6:49,431,859, G>C on the plus strand (C>G on the coding strand, the complement: MMUT is on the minus strand). VCF-style: chr6-49431859-G-C. GRCh37 (hg19) VCF-style: chr6-49399572-G-C.
Identifiers: ClinVar variation 657043 (VCV000657043.8), dbSNP rs1581815342, ClinGen allele CA913187295.

ClinVar aggregate classification (germline): Pathogenic (1 of 4 stars; one submission).

Submission:

Labcorp Genetics (formerly Invitae), Labcorp
Classification: Pathogenic. Last evaluated: 2023-05-17. Review status: criteria provided, single submitter. Criteria: Invitae Variant Classification Sherloc (09022015). Collection method: clinical testing. Allele origin: germline.
Comment: Variants that disrupt the consensus splice site are a relatively common cause of aberrant splicing (PMID: 17576681, 9536098). Studies have shown that this variant results in inclusion of intron 12 and introduces a new termination codon (PMID: 26449400, 27602322). However the mRNA is not expected to undergo nonsense-mediated decay. ClinVar contains an entry for this variant (Variation ID: 657043). This variant has been observed in individuals with methylmalonic acidura (PMID: 26449400, 27602322). This variant is not present in population databases (gnomAD no frequency). This sequence change falls in intron 12 of the MUT gene. It does not directly change the encoded amino acid sequence of the MUT protein. RNA analysis indicates that this variant induces altered splicing and likely disrupts the C-terminus of the protein. This variant disrupts the p.Gly717 amino acid residue in MUT. Other variant(s) that disrupt this residue have been determined to be pathogenic (PMID: 1346616, 16281286, 27233228). This suggests that this residue is clinically significant, and that variants that disrupt this residue are likely to be disease-causing. For these reasons, this variant has been classified as Pathogenic.

Literature cited by the submitters: PubMed 17576681; PubMed 9536098; PubMed 26449400; PubMed 27602322; PubMed 1346616; PubMed 16281286; PubMed 27233228.